The following is an entry in ClinVar:

ClinVar aggregate classification (germline): Uncertain significance (1 of 4 stars; one submission).

Conditions:
Catecholaminergic polymorphic ventricular tachycardia 1. Also called: VENTRICULAR TACHYCARDIA, CATECHOLAMINERGIC POLYMORPHIC, 1, WITH OR WITHOUT ATRIAL DYSFUNCTION AND/OR DILATED CARDIOMYOPATHY; RYR2-Related Catecholaminergic Polymorphic Ventricular Tachycardia; VENTRICULAR TACHYCARDIA, STRESS-INDUCED POLYMORPHIC 1. Identifiers: Orphanet 3286, MedGen C1631597, MONDO:0011484, OMIM 604772.

Submission:

Labcorp Genetics (formerly Invitae), Labcorp
Classification: Uncertain significance for Catecholaminergic polymorphic ventricular tachycardia 1. Last evaluated: 2019-12-13. Review status: criteria provided, single submitter. Criteria: Invitae Variant Classification Sherloc (09022015). Collection method: clinical testing. Allele origin: germline.
Comment: In summary, the available evidence is currently insufficient to determine the role of this variant in disease. Therefore, it has been classified as a Variant of Uncertain Significance. Algorithms developed to predict the effect of missense changes on protein structure and function (SIFT, PolyPhen-2, Align-GVGD) all suggest that this variant is likely to be disruptive, but these predictions have not been confirmed by published functional studies and their clinical significance is uncertain. This variant has not been reported in the literature in individuals with RYR2-related conditions. This variant is not present in population databases (ExAC no frequency). This sequence change replaces arginine with leucine at codon 4135 of the RYR2 protein (p.Arg4135Leu). The arginine residue is highly conserved and there is a moderate physicochemical difference between arginine and leucine.

NM_001035.3(RYR2):c.12404G>T (p.Arg4135Leu)

Genes: RYR2 (ryanodine receptor 2; plus strand), LOC126806068 (BRD4-independent group 4 enhancer GRCh37_chr1:237947411-237948610; plus strand). Cytogenetic location: 1q43.
Variant type: single nucleotide variant.
Coding change: c.12404G>T on transcript NM_001035.3 (MANE Select); coding-DNA position 12404, G replaced by T.
Protein change: p.Arg4135Leu; replaces arginine 4135 with leucine.
Molecular consequence: missense variant.
Genome position (GRCh38, 1-based): chr1:237,784,116, G>T. VCF-style: chr1-237784116-G-T. GRCh37 (hg19) VCF-style: chr1-237947416-G-T.
Other names: short protein forms R4135L.
Identifiers: ClinVar variation 864622 (VCV000864622.11), dbSNP rs764202302, ClinGen allele CA345413144.